The following is an entry in ClinVar:

ClinVar aggregate classification (germline): Uncertain significance (1 of 4 stars; one submission).

Allele frequency attached by ClinVar (database versions not stated): gnomAD 0.00001; ExAC 0.00002; gnomAD exomes 0.00002.
gnomAD v4.1: 11 of 1,612,466 alleles (0.00068%); highest among the groups gnomAD compares: East Asian, 0.022%; no homozygotes.

Submission:

Labcorp Genetics (formerly Invitae), Labcorp
Classification: Uncertain significance. Last evaluated: 2023-08-02. Review status: criteria provided, single submitter. Criteria: Invitae Variant Classification Sherloc (09022015). Collection method: clinical testing. Allele origin: germline.
Comment: This sequence change replaces tyrosine, which is neutral and polar, with phenylalanine, which is neutral and non-polar, at codon 1395 of the HMCN1 protein (p.Tyr1395Phe). This variant is present in population databases (rs748435040, gnomAD 0.04%). This variant has not been reported in the literature in individuals affected with HMCN1-related conditions. An algorithm developed to predict the effect of missense changes on protein structure and function (PolyPhen-2) suggests that this variant is likely to be disruptive. In summary, the available evidence is currently insufficient to determine the role of this variant in disease. Therefore, it has been classified as a Variant of Uncertain Significance.

NM_031935.3(HMCN1):c.4184A>T (p.Tyr1395Phe)

Gene: HMCN1 (hemicentin 1; plus strand). Cytogenetic location: 1q31.1.
Variant type: single nucleotide variant.
Coding change: c.4184A>T on transcript NM_031935.3 (MANE Select); coding-DNA position 4184, A replaced by T.
Protein change: p.Tyr1395Phe; replaces tyrosine 1395 with phenylalanine.
Molecular consequence: missense variant.
Genome position (GRCh38, 1-based): chr1:186,001,412, A>T. VCF-style: chr1-186001412-A-T. GRCh37 (hg19) VCF-style: chr1-185970544-A-T.
Other names: short protein forms Y1395F.
Identifiers: ClinVar variation 2991247 (VCV002991247.3), dbSNP rs748435040, ClinGen allele CA1291928.
Genomic context (GRCh38, chr1:186,001,412, plus strand): 5'-ATCAGCTGACCAATCTCTTCTGTGAAGTGGAAGGCACTCCATCTCCCATCATTATGTGGT[A>T]TAAAGATAATGTCCAGGTAAATAGAGTCATCCAAATACGTGTAATTCCTTGCCTCTGCAT-3'
Protein context (NP_114141.2, residues 1385-1405): EGTPSPIIMW[Tyr1395Phe]KDNVQVTESS